The following is an entry in ClinVar:

NM_000245.4(MET):c.805C>G (p.Leu269Val)

Gene: MET (MET proto-oncogene, receptor tyrosine kinase; plus strand). Cytogenetic location: 7q31.2.
Variant type: single nucleotide variant.
Coding change: c.805C>G on transcript NM_000245.4 (MANE Select); coding-DNA position 805, C replaced by G.
Protein change: p.Leu269Val; replaces leucine 269 with valine.
Molecular consequence: missense variant. On other transcripts: intron variant (1).
Genome position (GRCh38, 1-based): chr7:116,699,889, C>G. VCF-style: chr7-116699889-C-G. GRCh37 (hg19) VCF-style: chr7-116339943-C-G.
Other names: c.805C>G, p.Leu269Val (NM_001127500.3, NM_001324401.3); c.-91+27312C>G (NM_001324402.2); short protein forms L269V.
Identifiers: ClinVar variation 524892 (VCV000524892.10), dbSNP rs781257386, ClinGen allele CA368969891.
Genomic context (GRCh38, chr7:116,699,889, plus strand): 5'-TATGTCCATGCCTTTGAAAGCAACAATTTTATTTACTTCTTGACGGTCCAAAGGGAAACT[C>G]TAGATGCTCAGACTTTTCACACAAGAATAATCAGGTTCTGTTCCATAAACTCTGGATTGC-3'
Protein context (NP_000236.2, residues 259-279): IYFLTVQRET[Leu269Val]DAQTFHTRII

ClinVar aggregate classification (germline): Uncertain significance (1 of 4 stars; one submission).

Conditions:
Renal cell carcinoma. Identifiers: Orphanet 217071, MedGen C0007134, MeSH D002292, MONDO:0005086, HP:0005584.

Submission:

Labcorp Genetics (formerly Invitae), Labcorp
Classification: Uncertain significance for Renal cell carcinoma. Last evaluated: 2022-03-05. Review status: criteria provided, single submitter. Criteria: Invitae Variant Classification Sherloc (09022015). Collection method: clinical testing. Allele origin: germline.
Comment: In summary, the available evidence is currently insufficient to determine the role of this variant in disease. Therefore, it has been classified as a Variant of Uncertain Significance. Algorithms developed to predict the effect of missense changes on protein structure and function are either unavailable or do not agree on the potential impact of this missense change (SIFT: "Tolerated"; PolyPhen-2: "Probably Damaging"; Align-GVGD: "Class C0"). ClinVar contains an entry for this variant (Variation ID: 524892). This variant has not been reported in the literature in individuals affected with MET-related conditions. This variant is not present in population databases (gnomAD no frequency). This sequence change replaces leucine, which is neutral and non-polar, with valine, which is neutral and non-polar, at codon 269 of the MET protein (p.Leu269Val).